The following is an entry in ClinVar:

NM_018249.6(CDK5RAP2):c.3192A>G (p.Ser1064=)

Gene: CDK5RAP2 (CDK5 regulatory subunit associated protein 2; minus strand). Cytogenetic location: 9q33.2.
Variant type: single nucleotide variant.
Coding change: c.3192A>G on transcript NM_018249.6 (MANE Select); coding-DNA position 3192, A replaced by G.
Protein change: p.Ser1064=; no amino-acid change (serine 1064 retained).
Molecular consequence: synonymous variant. On other transcripts: non-coding transcript variant (5).
Genome position (GRCh38, 1-based): chr9:120,439,929, T>C on the plus strand (A>G on the coding strand, the complement: CDK5RAP2 is on the minus strand). VCF-style: chr9-120439929-T-C. GRCh37 (hg19) VCF-style: chr9-123202207-T-C.
Other names: c.3192A>G, p.Ser1064= (NM_001011649.3); c.2502A>G, p.Ser834= (NM_001272039.2); c.3093A>G, p.Ser1031= (NM_001410992.1); c.3096A>G, p.Ser1032= (NM_001410993.1); c.3189A>G, p.Ser1063= (NM_001410994.1).
Identifiers: ClinVar variation 3036622 (VCV003036622.2), dbSNP rs148932283, ClinGen allele CA5213868.

ClinVar aggregate classification (germline): Likely benign (0 of 4 stars; one submission).

Conditions:
CDK5RAP2-related disorder. Also called: CDK5RAP2-related condition.

Allele frequency attached by ClinVar (database versions not stated): gnomAD exomes below 0.00001; TOPMed below 0.00001; ExAC 0.00002; ESP Exome Variant Server 0.00008.
gnomAD v4.1: 7 of 1,614,204 alleles (0.00043%); highest among the groups gnomAD compares: Admixed American, 0.0067%; no homozygotes.

Submission:

PreventionGenetics, part of Exact Sciences
Classification: Likely benign for CDK5RAP2-related condition. Last evaluated: 2021-12-20. Review status: no assertion criteria provided. Collection method: clinical testing. Allele origin: germline.
Comment: This variant is classified as likely benign based on ACMG/AMP sequence variant interpretation guidelines (Richards et al. 2015 PMID: 25741868, with internal and published modifications).